The following is an entry in ClinVar:

NM_001174147.2(LMX1B):c.*51A>G

Gene: LMX1B (LIM homeobox transcription factor 1 beta; plus strand). Cytogenetic location: 9q33.3.
Variant type: single nucleotide variant.
Coding change: c.*51A>G on transcript NM_001174147.2 (MANE Select); 51 bases downstream of the stop codon, A replaced by G.
Molecular consequence: 3 prime UTR variant.
Genome position (GRCh38, 1-based): chr9:126,696,502, A>G. VCF-style: chr9-126696502-A-G. GRCh37 (hg19) VCF-style: chr9-129458781-A-G.
Other names: c.*51A>G (NM_001174146.2, NM_002316.4).
Identifiers: ClinVar variation 364892 (VCV000364892.8), dbSNP rs10121481, ClinGen allele CA5242612.

ClinVar aggregate classification (germline): Benign. Review status: criteria provided, multiple submitters, no conflicts (2 of 4 stars). 3 submissions from 3 submitters: Benign (3). Last evaluated 2018-06-26.

Conditions:
Nail-patella syndrome (NPS). Also called: FONG DISEASE; ONYCHOOSTEODYSPLASIA; TURNER-KIESER SYNDROME. Identifiers: Orphanet 2614, MedGen C0027341, MONDO:0008061, OMIM 161200.

Allele frequency attached by ClinVar (database versions not stated): gnomAD exomes 0.01198 and 0.02425; ExAC 0.02818; gnomAD 0.08298 and 0.08863; 1000 Genomes Project 0.08826; ESP Exome Variant Server 0.09061; 1000 Genomes Project 30x 0.09260; TOPMed 0.09362.

Submissions (3):

GeneDx
Classification: Benign. Last evaluated: 2018-06-26. Review status: criteria provided, single submitter. Criteria: GeneDx Variant Classification Process June 2021. Collection method: clinical testing. Allele origin: germline. Affected: yes.

Illumina Laboratory Services, Illumina
Classification: Benign for Nail-patella syndrome. Last evaluated: 2018-01-12. Review status: criteria provided, single submitter. Criteria: ICSL Variant Classification Criteria 13 December 2019. Collection method: clinical testing. Allele origin: germline.
Comment: This variant was observed in the ICSL laboratory as part of a predisposition screen in an ostensibly healthy population. It had not been previously curated by ICSL or reported in the Human Gene Mutation Database (HGMD: prior to June 1st, 2018), and was therefore a candidate for classification through an automated scoring system. Utilizing variant allele frequency, disease prevalence and penetrance estimates, and inheritance mode, an automated score was calculated to assess if this variant is too frequent to cause the disease. Based on the score and internal cut-off values, a variant classified as benign is not then subjected to further curation. The score for this variant resulted in a classification of benign for this disease.

Breakthrough Genomics
Classification: Benign. Review status: criteria provided, single submitter. Criteria: ACMG Guidelines, 2015. Collection method: not provided. Allele origin: germline. Inheritance: Autosomal dominant inheritance. Affected: yes.